The following is an entry in ClinVar:

NM_001012614.2(CTBP1):c.337T>C (p.Ser113Pro)

Gene: CTBP1 (C-terminal binding protein 1; minus strand). Cytogenetic location: 4p16.3.
Variant type: single nucleotide variant.
Coding change: c.337T>C on transcript NM_001012614.2 (MANE Select); coding-DNA position 337, T replaced by C.
Protein change: p.Ser113Pro; replaces serine 113 with proline.
Molecular consequence: missense variant.
Genome position (GRCh38, 1-based): chr4:1,225,537, A>G on the plus strand (T>C on the coding strand, the complement: CTBP1 is on the minus strand). VCF-style: chr4-1225537-A-G. GRCh37 (hg19) VCF-style: chr4-1219325-A-G.
Other names: c.370T>C, p.Ser124Pro (NM_001328.3, NM_001377186.1); c.337T>C, p.Ser113Pro (NM_001377187.1, NM_001377188.1, NM_001377189.1 and 4 more transcripts); short protein forms S113P, S124P.
Identifiers: ClinVar variation 4819002 (VCV004819002.1).

ClinVar aggregate classification (germline): Uncertain significance (1 of 4 stars; one submission).

Conditions:
Hypotonia, ataxia, developmental delay, and tooth enamel defect syndrome. Identifiers: MedGen C4693578, MONDO:0060666, OMIM 617915.

Submission:

Victorian Clinical Genetics Services, Murdoch Childrens Research Institute
Classification: Uncertain significance for Hypotonia, ataxia, developmental delay, and tooth enamel defect syndrome. Last evaluated: 2025-12-21. Review status: criteria provided, single submitter. Criteria: ACMG Guidelines, 2015. Collection method: clinical testing. Allele origin: germline. Affected: yes.
Comment: This variant is classified as VUS-3A. Evidence in support of pathogenic classification: Variant is absent from gnomAD (v2, v3 and v4); Missense variant predicted to be damaging by in silico tool(s) or highly conserved with a major amino acid change; Additional information: Variant is predicted to result in a missense amino acid change from Ser to Pro; This variant is heterozygous; This gene is associated with autosomal dominant disease; Alternative amino acid change(s) at the same position are present in gnomAD (highest allele count: v4: 3 heterozygote(s), 0 homozygote(s)); This variant has no previous evidence of pathogenicity; No published evidence of segregation with disease has been identified for this variant; No published functional evidence has been identified for this variant; No comparable missense variants have previous evidence for pathogenicity. However, an alternative change at this residue with a greater Grantham score (p.(Ser113Phe)) has been reported as de novo in an individual with features including microcephaly, skeletal anomalies and global developmental delay (PMID: 38348454); Variant is located in the annotated D-isomer specific 2-hydroxyacid dehydrogenase, catalytic domain (DECIPHER); The mechanism of disease for this gene is not clearly established. A dominant-negative mechanism of disease has been proposed, but evidence supporting this is currently insufficient (PMID: 31041561); Variants in this gene are known to have variable expressivity. Individuals with the same recurrent variant, p.(Arg331Trp), present with variable severity of symptoms (PMID: 31041561).

Literature cited by the submitters: PubMed 31041561; PubMed 38348454.